The following is an entry in ClinVar:

NM_000135.4(FANCA):c.1964C>G (p.Ala655Gly)

Gene: FANCA (FA complementation group A; minus strand). Cytogenetic location: 16q24.3.
Variant type: single nucleotide variant.
Coding change: c.1964C>G on transcript NM_000135.4 (MANE Select); coding-DNA position 1964, C replaced by G.
Protein change: p.Ala655Gly; replaces alanine 655 with glycine.
Molecular consequence: missense variant.
Genome position (GRCh38, 1-based): chr16:89,773,321, G>C on the plus strand (C>G on the coding strand, the complement: FANCA is on the minus strand). VCF-style: chr16-89773321-G-C. GRCh37 (hg19) VCF-style: chr16-89839729-G-C.
Other names: c.1964C>G, p.Ala655Gly (NM_001286167.3); c.1964C>G (NM_000135.3); short protein forms A655G.
Identifiers: ClinVar variation 968440 (VCV000968440.16), dbSNP rs1306842168, ClinGen allele CA397449925.

ClinVar aggregate classification (germline): Conflicting classifications of pathogenicity. Review status: criteria provided, conflicting classifications (1 of 4 stars). 5 submissions from 5 submitters: Uncertain significance (2); Likely benign (1). 2 of the submissions do not count toward it. Last evaluated 2025-07-24.

Conditions:
FANCA-related disorder. Also called: FANCA-related condition.
Fanconi anemia complementation group A (FANCA). Also called: Fanconi anemia, group A; FANCA-Related Fanconi Anemia. Identifiers: Orphanet 84, MedGen C3469521, MONDO:0009215, OMIM 227650.
Fanconi anemia (FA). Also called: Fanconi's anemia. Identifiers: Orphanet 84, MedGen C0015625, MeSH D005199, MONDO:0019391.

Allele frequency attached by ClinVar (database versions not stated): gnomAD exomes 0.00001 and 0.00003.
gnomAD v4.1: 5 of 1,551,616 alleles (0.00032%); highest among the groups gnomAD compares: Admixed American, 0.0078%; no homozygotes.

Submissions (5):

Quest Diagnostics Nichols Institute San Juan Capistrano
Classification: Uncertain significance. Last evaluated: 2025-07-24. Review status: criteria provided, single submitter. Criteria: Quest Diagnostics criteria. Collection method: clinical testing. Allele origin: unknown.
Comment: The FANCA c.1964C>G (p.Ala655Gly) variant has not been reported in individuals with FANCA-related conditions in the published literature. The frequency of this variant in the general population (Genome Aggregation Database) is uninformative in the assessment of its pathogenicity. Analysis of this variant using bioinformatics tools for the prediction of the effect of amino acid changes on protein structure and function yielded predictions that this variant is benign. Based on the available information, we are unable to determine the clinical significance of this variant.

Labcorp Genetics (formerly Invitae), Labcorp
Classification: Likely benign for Fanconi anemia. Last evaluated: 2024-08-28. Review status: criteria provided, single submitter. Criteria: Invitae Variant Classification Sherloc (09022015). Collection method: clinical testing. Allele origin: germline.

Fulgent Genetics
Classification: Uncertain significance for Fanconi anemia complementation group A. Last evaluated: 2024-05-21. Review status: criteria provided, single submitter. Criteria: ACMG Guidelines, 2015. Collection method: clinical testing. Allele origin: germline.

PreventionGenetics, part of Exact Sciences
Classification: Uncertain significance for FANCA-related condition. Last evaluated: 2024-07-10. Review status: no assertion criteria provided. Collection method: clinical testing. Allele origin: germline. Not counted in ClinVar's aggregate classification.
Comment: The FANCA c.1964C>G variant is predicted to result in the amino acid substitution p.Ala655Gly. To our knowledge, this variant has not been reported in the literature. This variant is reported in 0.016% of alleles in individuals of Latino descent in gnomAD. At this time, the clinical significance of this variant is uncertain due to the absence of conclusive functional and genetic evidence.

Natera, Inc.
Classification: Uncertain significance for Fanconi anemia. Last evaluated: 2021-05-26. Review status: no assertion criteria provided. Collection method: clinical testing. Allele origin: germline. Not counted in ClinVar's aggregate classification.